The following is an entry in ClinVar:

NM_198525.3(KIF7):c.925A>T (p.Ile309Phe)

Gene: KIF7 (kinesin family member 7; minus strand). Cytogenetic location: 15q26.1.
Variant type: single nucleotide variant.
Coding change: c.925A>T on transcript NM_198525.3 (MANE Select); coding-DNA position 925, A replaced by T.
Protein change: p.Ile309Phe; replaces isoleucine 309 with phenylalanine.
Molecular consequence: missense variant.
Genome position (GRCh38, 1-based): chr15:89,648,773, T>A on the plus strand (A>T on the coding strand, the complement: KIF7 is on the minus strand). VCF-style: chr15-89648773-T-A. GRCh37 (hg19) VCF-style: chr15-90192004-T-A.
Other names: short protein forms I309F.
Identifiers: ClinVar variation 1462579 (VCV001462579.8), dbSNP rs2142029652, ClinGen allele CA393773612.

ClinVar aggregate classification (germline): Uncertain significance (1 of 4 stars; one submission).

Conditions:
Acrocallosal syndrome (ACLS). Also called: HALLUX DUPLICATION, POSTAXIAL POLYDACTYLY, AND ABSENCE OF CORPUS CALLOSUM; Schinzel syndrome 1; Absence of corpus callosum with unusual facial appearance, mental deficiency, duplication of the halluces and polydactyly. Identifiers: Orphanet 36, MedGen C0796147, MONDO:0008708, OMIM 200990.

Submission:

Labcorp Genetics (formerly Invitae), Labcorp
Classification: Uncertain significance for Acrocallosal syndrome. Last evaluated: 2021-03-18. Review status: criteria provided, single submitter. Criteria: Invitae Variant Classification Sherloc (09022015). Collection method: clinical testing. Allele origin: germline.
Comment: Algorithms developed to predict the effect of missense changes on protein structure and function are either unavailable or do not agree on the potential impact of this missense change (SIFT: "Deleterious"; PolyPhen-2: "Probably Damaging"; Align-GVGD: "Class C0"). This sequence change replaces isoleucine with phenylalanine at codon 309 of the KIF7 protein (p.Ile309Phe). The isoleucine residue is weakly conserved and there is a small physicochemical difference between isoleucine and phenylalanine. This variant is not present in population databases (ExAC no frequency). This variant has not been reported in the literature in individuals with KIF7-related conditions. Algorithms developed to predict the effect of sequence changes on RNA splicing suggest that this variant may create or strengthen a splice site, but this prediction has not been confirmed by published transcriptional studies. In summary, the available evidence is currently insufficient to determine the role of this variant in disease. Therefore, it has been classified as a Variant of Uncertain Significance.